The following is an entry in ClinVar:

NM_002471.4(MYH6):c.1952C>T (p.Ala651Val)

Gene: MYH6 (myosin heavy chain 6; minus strand). Cytogenetic location: 14q11.2.
Variant type: single nucleotide variant.
Coding change: c.1952C>T on transcript NM_002471.4 (MANE Select); coding-DNA position 1952, C replaced by T.
Protein change: p.Ala651Val; replaces alanine 651 with valine.
Molecular consequence: missense variant.
Genome position (GRCh38, 1-based): chr14:23,397,553, G>A on the plus strand (C>T on the coding strand, the complement: MYH6 is on the minus strand). VCF-style: chr14-23397553-G-A. GRCh37 (hg19) VCF-style: chr14-23866762-G-A.
Other names: short protein forms A651V.
Identifiers: ClinVar variation 4860555 (VCV004860555.1).
Genomic context (GRCh38, chr14:23,397,553, plus strand): 5'-TGGGCTGGGCCATTCCACCAGGTGTCCTGGCACCCCTGGGCCCTTCTTACCCGGTGGAGA[G>A]CCGACACCGTCTGGAAGGATGAGCCCTTTTTCTTGCCTCCTTTGCTTTTACCACTGTCCC-3'
Protein context (NP_002462.2, residues 641-661): KKGSSFQTVS[Ala651Val]LHRENLNKLM

ClinVar aggregate classification (germline): Uncertain significance (1 of 4 stars; one submission).

Conditions:
Cardiovascular phenotype. Identifiers: MedGen CN230736.

gnomAD v4.1: 2 of 1,614,184 alleles (0.00012%); highest among the groups gnomAD compares: Admixed American, 0.0033%; no homozygotes.

Submission:

Ambry Genetics
Classification: Uncertain significance for Cardiovascular phenotype. Last evaluated: 2026-03-21. Review status: criteria provided, single submitter. Criteria: Ambry Variant Classification Scheme 2023. Collection method: clinical testing. Allele origin: germline.
Comment: The p.A651V variant (also known as c.1952C>T), located in coding exon 14 of the MYH6 gene, results from a C to T substitution at nucleotide position 1952. The alanine at codon 651 is replaced by valine, an amino acid with similar properties. This amino acid position is conserved. In addition, the in silico prediction for this alteration is inconclusive. Based on the available evidence, the clinical significance of this variant remains unclear.